The following is an entry in ClinVar:

ClinVar aggregate classification (germline): Uncertain significance. Review status: criteria provided, single submitter (1 of 4 stars). 2 submissions from 2 submitters: Uncertain significance (1). 1 of the submissions does not count toward it. Last evaluated 2025-08-12.

Conditions:
KIDINS220-related disorder. Also called: KIDINS220-related condition.

gnomAD v4.1: 49 of 1,614,108 alleles (0.003%); highest among the groups gnomAD compares: Non-Finnish European, 0.0036%; no homozygotes.

Submissions (2):

Labcorp Genetics (formerly Invitae), Labcorp
Classification: Uncertain significance. Last evaluated: 2025-08-12. Review status: criteria provided, single submitter. Criteria: Invitae Variant Classification Sherloc (09022015). Collection method: clinical testing. Allele origin: germline.
Comment: This sequence change replaces threonine, which is neutral and polar, with methionine, which is neutral and non-polar, at codon 1322 of the KIDINS220 protein (p.Thr1322Met). This variant is present in population databases (rs561652136, gnomAD 0.004%). This variant has not been reported in the literature in individuals affected with KIDINS220-related conditions. ClinVar contains an entry for this variant (Variation ID: 3357054). An algorithm developed to predict the effect of missense changes on protein structure and function (PolyPhen-2) suggests that this variant is likely to be tolerated. In summary, the available evidence is currently insufficient to determine the role of this variant in disease. Therefore, it has been classified as a Variant of Uncertain Significance.

PreventionGenetics, part of Exact Sciences
Classification: Uncertain significance for KIDINS220-related condition. Last evaluated: 2024-08-24. Review status: no assertion criteria provided. Collection method: clinical testing. Allele origin: germline. Not counted in ClinVar's aggregate classification.
Comment: The KIDINS220 c.3965C>T variant is predicted to result in the amino acid substitution p.Thr1322Met. To our knowledge, this variant has not been reported in the literature. This variant is reported in 0.0041% of alleles in individuals of African descent in gnomAD. At this time, the clinical significance of this variant is uncertain due to the absence of conclusive functional and genetic evidence.

NM_020738.4(KIDINS220):c.3965C>T (p.Thr1322Met)

Gene: KIDINS220 (kinase D interacting substrate 220; minus strand). Cytogenetic location: 2p25.1.
Variant type: single nucleotide variant.
Coding change: c.3965C>T on transcript NM_020738.4 (MANE Select); coding-DNA position 3965, C replaced by T.
Protein change: p.Thr1322Met; replaces threonine 1322 with methionine.
Molecular consequence: missense variant. On other transcripts: non-coding transcript variant (2).
Genome position (GRCh38, 1-based): chr2:8,733,532, G>A on the plus strand (C>T on the coding strand, the complement: KIDINS220 is on the minus strand). VCF-style: chr2-8733532-G-A. GRCh37 (hg19) VCF-style: chr2-8873662-G-A.
Other names: c.3797C>T, p.Thr1266Met (NM_001348740.2, NM_001348734.2, NM_001348739.2); c.3794C>T, p.Thr1265Met (NM_001348741.2, NM_001348742.2, NM_001348743.2 and 1 more transcripts); c.3968C>T, p.Thr1323Met (NM_001348729.2); c.3911C>T, p.Thr1304Met (NM_001348731.2); c.3908C>T, p.Thr1303Met (NM_001348732.2, NM_001348738.2); c.3668C>T, p.Thr1223Met (NM_001348736.2); short protein forms T1223M, T1265M, T1266M, T1303M, T1304M, T1322M, T1323M.
Identifiers: ClinVar variation 3357054 (VCV003357054.3).
Genomic context (GRCh38, chr2:8,733,532, plus strand): 5'-GCACCTTCATCCAGGCCAAGCGTGTTCAGCTCTTCGAAGCTGAAGTTGAGTGTGTAGGGC[G>A]TCTGGCTGGAGAGCTCGGTGTGAGGCAGCTCGTTGTGGGAAGCGCGGCGAGCAGGCTCAC-3'
Protein context (NP_065789.1, residues 1312-1332): ELPHTELSSQ[Thr1322Met]PYTLNFSFEE